The following is an entry in ClinVar:

ClinVar aggregate classification (germline): Likely benign (1 of 4 stars; one submission).

Conditions:
PCNT-related disorder. Also called: PCNT-related condition.

Submission:

PreventionGenetics, part of Exact Sciences
Classification: Likely benign for PCNT-related condition. Last evaluated: 2025-08-01. Review status: criteria provided, single submitter. Criteria: ACMG Guidelines, 2015. Collection method: clinical testing. Allele origin: germline.
Comment: This variant is classified as likely benign based on ACMG/AMP sequence variant interpretation guidelines (Richards et al. 2015 PMID: 25741868, with internal and published modifications).

NM_006031.6(PCNT):c.2025T>C (p.Thr675=)

Gene: PCNT (pericentrin; plus strand). Cytogenetic location: 21q22.3.
Variant type: single nucleotide variant.
Coding change: c.2025T>C on transcript NM_006031.6 (MANE Select); coding-DNA position 2025, T replaced by C.
Protein change: p.Thr675=; no amino-acid change (threonine 675 retained).
Molecular consequence: synonymous variant.
Genome position (GRCh38, 1-based): chr21:46,357,062, T>C. VCF-style: chr21-46357062-T-C. GRCh37 (hg19) VCF-style: chr21-47776977-T-C.
Other names: c.1671T>C, p.Thr557= (NM_001315529.2).
Identifiers: ClinVar variation 4999661 (VCV004999661.1).
Genomic context (GRCh38, chr21:46,357,062, plus strand): 5'-GCAGGACGGGGACTTGGAGGCCGACACAGAGCGGGCAGCCAGAGTCTTGGGTCTGGAAAC[T>C]GAGCACAAGGTGCAACTTTCGCTTCTTCAGACTGAGCTCAAAGAAGAAATTGAACTCCTA-3'
Protein context (NP_006022.3, residues 665-685): ERAARVLGLE[Thr675=]EHKVQLSLLQ